The following is an entry in ClinVar:

NM_001113378.2(FANCI):c.3652-1775G>A

Gene: FANCI (FA complementation group I; plus strand). Cytogenetic location: 15q26.1.
Variant type: single nucleotide variant.
Coding change: c.3652-1775G>A on transcript NM_001113378.2 (MANE Select); 1775 bases into the intron before coding-DNA position 3652, G replaced by A.
Molecular consequence: intron variant.
Genome position (GRCh38, 1-based): chr15:89,311,129, G>A. VCF-style: chr15-89311129-G-A. GRCh37 (hg19) VCF-style: chr15-89854360-G-A.
Other names: c.3472-1775G>A (NM_018193.3); c.3652-1775G>A (NM_001376911.1); c.3373-1775G>A (NM_001376910.1).
Identifiers: ClinVar variation 4891081 (VCV004891081.1).

ClinVar aggregate classification (germline): Uncertain significance (1 of 4 stars; one submission).

Submission:

Greenwood Genetic Center Diagnostic Laboratories, Greenwood Genetic Center
Classification: Uncertain significance. Last evaluated: 2026-05-15. Review status: criteria provided, single submitter. Criteria: ACMG Guidelines, 2015. Collection method: clinical testing. Allele origin: germline.
Comment: PM2, BP4